The following is an entry in ClinVar:

ClinVar aggregate classification (germline): Benign/Likely benign. Review status: criteria provided, multiple submitters, no conflicts (2 of 4 stars). 2 submissions from 2 submitters: Benign (1); Likely benign (1). Last evaluated 2025-02-01.

Allele frequency attached by ClinVar (database versions not stated): ESP Exome Variant Server 0.00069; TOPMed 0.00088; 1000 Genomes Project 30x 0.00094; 1000 Genomes Project 0.00100; gnomAD exomes 0.00161 and 0.00242; ExAC 0.00216; gnomAD 0.00251 and 0.00265.
gnomAD v4.1: 2,711 of 1,613,430 alleles (0.17%); highest among the groups gnomAD compares: Non-Finnish European, 0.14%; 12 homozygotes.

Submissions (2):

CeGaT Center for Human Genetics Tuebingen
Classification: Likely benign. Last evaluated: 2025-02-01. Review status: criteria provided, single submitter. Criteria: CeGaT Center For Human Genetics Tuebingen Variant Classification Criteria Version 2. Collection method: clinical testing. Allele origin: germline. Affected: yes. Observed: 1 variant allele.
Comment: MCF2L: BP4

Labcorp Genetics (formerly Invitae), Labcorp
Classification: Benign. Last evaluated: 2018-05-22. Review status: criteria provided, single submitter. Criteria: Invitae Variant Classification Sherloc (09022015). Collection method: clinical testing. Allele origin: germline.

NM_001112732.3(MCF2L):c.1172A>G (p.Asn391Ser)

Gene: MCF2L (MCF.2 cell line derived transforming sequence like; plus strand). Cytogenetic location: 13q34.
Variant type: single nucleotide variant.
Coding change: c.1172A>G on transcript NM_001112732.3 (MANE Select); coding-DNA position 1172, A replaced by G.
Protein change: p.Asn391Ser; replaces asparagine 391 with serine.
Molecular consequence: missense variant.
Genome position (GRCh38, 1-based): chr13:113,075,053, A>G. VCF-style: chr13-113075053-A-G. GRCh37 (hg19) VCF-style: chr13-113729367-A-G.
Other names: c.1166A>G, p.Asn389Ser (NM_001320815.2, NM_001320817.2, NM_024979.5); c.1184A>G, p.Asn395Ser (NM_001320816.2); c.1085A>G, p.Asn362Ser (NM_001366644.2); c.1058A>G, p.Asn353Ser (NM_001366645.2, NM_001366646.2); short protein forms N389S, N391S, N395S, N353S, N362S.
Identifiers: ClinVar variation 715587 (VCV000715587.16), dbSNP rs117508840, ClinGen allele CA7058743.